The following is an entry in ClinVar:

NM_000095.3(COMP):c.1568A>G (p.Asn523Ser)

Gene: COMP (cartilage oligomeric matrix protein; minus strand). Cytogenetic location: 19p13.11.
Variant type: single nucleotide variant.
Coding change: c.1568A>G on transcript NM_000095.3 (MANE Select); coding-DNA position 1568, A replaced by G.
Protein change: p.Asn523Ser; replaces asparagine 523 with serine.
Molecular consequence: missense variant.
Genome position (GRCh38, 1-based): chr19:18,785,773, T>C on the plus strand (A>G on the coding strand, the complement: COMP is on the minus strand). VCF-style: chr19-18785773-T-C. GRCh37 (hg19) VCF-style: chr19-18896583-T-C.
Other names: short protein forms N523S.
Identifiers: ClinVar variation 1006449 (VCV001006449.8), dbSNP rs750363391, ClinGen allele CA9316357.

ClinVar aggregate classification (germline): Uncertain significance (1 of 4 stars; one submission).

Allele frequency attached by ClinVar (database versions not stated): gnomAD exomes below 0.00001; ExAC 0.00001.

Submission:

Labcorp Genetics (formerly Invitae), Labcorp
Classification: Uncertain significance. Last evaluated: 2020-05-21. Review status: criteria provided, single submitter. Criteria: Invitae Variant Classification Sherloc (09022015). Collection method: clinical testing. Allele origin: germline.
Comment: This variant disrupts the p.Asn523 amino acid residue in COMP. Other variant(s) that disrupt this residue have been determined to be pathogenic (PMID: 9021009). This suggests that this residue is clinically significant, and that variants that disrupt this residue are likely to be disease-causing. In summary, the available evidence is currently insufficient to determine the role of this variant in disease. Therefore, it has been classified as a Variant of Uncertain Significance. Algorithms developed to predict the effect of missense changes on protein structure and function (SIFT, PolyPhen-2, Align-GVGD) all suggest that this variant is likely to be disruptive, but these predictions have not been confirmed by published functional studies and their clinical significance is uncertain. This variant has not been reported in the literature in individuals with COMP-related conditions. This variant is present in population databases (rs750363391, ExAC 0.002%). This sequence change replaces asparagine with serine at codon 523 of the COMP protein (p.Asn523Ser). The asparagine residue is highly conserved and there is a small physicochemical difference between asparagine and serine.

Literature cited by the submitters: PubMed 9021009.